The following is an entry in ClinVar:

NM_007289.4(MME):c.1189-3T>A

Gene: MME (membrane metalloendopeptidase; plus strand). Cytogenetic location: 3q25.2.
Variant type: single nucleotide variant.
Coding change: c.1189-3T>A on transcript NM_007289.4 (MANE Select); 3 bases into the intron before coding-DNA position 1189, T replaced by A.
Molecular consequence: intron variant.
Genome position (GRCh38, 1-based): chr3:155,143,440, T>A. VCF-style: chr3-155143440-T-A. GRCh37 (hg19) VCF-style: chr3-154861229-T-A.
Other names: c.1189-3T>A (NM_001354642.2, NM_000902.5, NM_007287.4 and 2 more transcripts).
Identifiers: ClinVar variation 1504638 (VCV001504638.6), dbSNP rs1057470052, ClinGen allele CA85829631.

ClinVar aggregate classification (germline): Uncertain significance (1 of 4 stars; one submission).

Allele frequency attached by ClinVar (database versions not stated): gnomAD 0.00001 and 0.00002.
gnomAD v4.1: 7 of 1,611,526 alleles (0.00043%); highest among the groups gnomAD compares: Admixed American, 0.0033%; no homozygotes.

Submission:

Labcorp Genetics (formerly Invitae), Labcorp
Classification: Uncertain significance. Last evaluated: 2021-04-04. Review status: criteria provided, single submitter. Criteria: Invitae Variant Classification Sherloc (09022015). Collection method: clinical testing. Allele origin: germline.
Comment: In summary, the available evidence is currently insufficient to determine the role of this variant in disease. Therefore, it has been classified as a Variant of Uncertain Significance. Nucleotide substitutions within the consensus splice site are a relatively common cause of aberrant splicing (PMID: 17576681, 9536098). Algorithms developed to predict the effect of sequence changes on RNA splicing suggest that this variant may disrupt the consensus splice site, but this prediction has not been confirmed by published transcriptional studies. This sequence change falls in intron 12 of the MME gene. It does not directly change the encoded amino acid sequence of the MME protein. It affects a nucleotide within the consensus splice site of the intron. This variant has not been reported in the literature in individuals with MME-related conditions. This variant is not present in population databases (ExAC no frequency).

Literature cited by the submitters: PubMed 17576681; PubMed 9536098.